The following is an entry in ClinVar:

ClinVar aggregate classification (germline): Uncertain significance. Review status: criteria provided, multiple submitters, no conflicts (2 of 4 stars). 2 submissions from 2 submitters: Uncertain significance (2). Last evaluated 2024-10-16.

Conditions:
Encephalopathy, acute, infection-induced (herpes-specific), susceptibility to, 6. Also called: Herpes simplex encephalitis, susceptibility to, 4. Identifiers: Orphanet 1930, MedGen C3553869, MONDO:0013921, OMIM 614850.

Allele frequency attached by ClinVar (database versions not stated): ESP Exome Variant Server 0.00008; gnomAD 0.00005 and 0.00006; gnomAD exomes 0.00004 and 0.00020; TOPMed 0.00005; ExAC 0.00004.
gnomAD v4.1: 275 of 1,514,692 alleles (0.018%); highest among the groups gnomAD compares: Non-Finnish European, 0.024%; no homozygotes.

Submissions (2):

Labcorp Genetics (formerly Invitae), Labcorp
Classification: Uncertain significance for Encephalopathy, acute, infection-induced (herpes-specific), susceptibility to, 6. Last evaluated: 2024-10-16. Review status: criteria provided, single submitter. Criteria: Invitae Variant Classification Sherloc (09022015). Collection method: clinical testing. Allele origin: germline.
Comment: This sequence change replaces alanine, which is neutral and non-polar, with threonine, which is neutral and polar, at codon 703 of the TICAM1 protein (p.Ala703Thr). This variant is present in population databases (rs200326236, gnomAD 0.007%). This variant has not been reported in the literature in individuals affected with TICAM1-related conditions. ClinVar contains an entry for this variant (Variation ID: 580558). An algorithm developed to predict the effect of missense changes on protein structure and function (PolyPhen-2) suggests that this variant¬†is likely to be tolerated. In summary, the available evidence is currently insufficient to determine the role of this variant in disease. Therefore, it has been classified as a Variant of Uncertain Significance.

Ambry Genetics
Classification: Uncertain significance. Last evaluated: 2024-03-28. Review status: criteria provided, single submitter. Criteria: Ambry Variant Classification Scheme 2023. Collection method: clinical testing. Allele origin: germline.

NM_182919.4(TICAM1):c.2107G>A (p.Ala703Thr)

Gene: TICAM1 (TIR domain containing adaptor molecule 1; minus strand). Cytogenetic location: 19p13.3.
Variant type: single nucleotide variant.
Coding change: c.2107G>A on transcript NM_182919.4 (MANE Select); coding-DNA position 2107, G replaced by A.
Protein change: p.Ala703Thr; replaces alanine 703 with threonine.
Molecular consequence: missense variant.
Genome position (GRCh38, 1-based): chr19:4,816,271, C>T on the plus strand (G>A on the coding strand, the complement: TICAM1 is on the minus strand). VCF-style: chr19-4816271-C-T. GRCh37 (hg19) VCF-style: chr19-4816283-C-T.
Other names: c.2065G>A, p.Ala689Thr (NM_001385678.1); c.1972G>A, p.Ala658Thr (NM_001385679.1); c.1465G>A, p.Ala489Thr (NM_001385680.1); c.2107G>A (NM_182919.2); short protein forms A703T, A489T, A658T, A689T.
Identifiers: ClinVar variation 580558 (VCV000580558.10), dbSNP rs200326236, ClinGen allele CA9104991.